The following is an entry in ClinVar:

ClinVar aggregate classification (germline): Uncertain significance (1 of 4 stars; one submission).

Conditions:
Renal cell carcinoma. Identifiers: Orphanet 217071, MedGen C0007134, MeSH D002292, MONDO:0005086, HP:0005584.

Submission:

Labcorp Genetics (formerly Invitae), Labcorp
Classification: Uncertain significance for Renal cell carcinoma. Last evaluated: 2022-05-14. Review status: criteria provided, single submitter. Criteria: Invitae Variant Classification Sherloc (09022015). Collection method: clinical testing. Allele origin: germline.
Comment: This sequence change replaces serine, which is neutral and polar, with threonine, which is neutral and polar, at codon 1282 of the MET protein (p.Ser1282Thr). In summary, the available evidence is currently insufficient to determine the role of this variant in disease. Therefore, it has been classified as a Variant of Uncertain Significance. Algorithms developed to predict the effect of missense changes on protein structure and function are either unavailable or do not agree on the potential impact of this missense change (SIFT: "Tolerated"; PolyPhen-2: "Probably Damaging"; Align-GVGD: "Class C0"). This variant has not been reported in the literature in individuals affected with MET-related conditions. This variant is not present in population databases (gnomAD no frequency).

NM_000245.4(MET):c.3790T>A (p.Ser1264Thr)

Gene: MET (MET proto-oncogene, receptor tyrosine kinase; plus strand). Cytogenetic location: 7q31.2.
Variant type: single nucleotide variant.
Coding change: c.3790T>A on transcript NM_000245.4 (MANE Select); coding-DNA position 3790, T replaced by A.
Protein change: p.Ser1264Thr; replaces serine 1264 with threonine.
Molecular consequence: missense variant.
Genome position (GRCh38, 1-based): chr7:116,783,461, T>A. VCF-style: chr7-116783461-T-A. GRCh37 (hg19) VCF-style: chr7-116423515-T-A.
Other names: c.3844T>A, p.Ser1282Thr (NM_001127500.3); c.2500T>A, p.Ser834Thr (NM_001324402.2); short protein forms S1282T, S834T, S1264T.
Identifiers: ClinVar variation 1994340 (VCV001994340.4), dbSNP rs1795214265, ClinGen allele CA368992047.